The following is an entry in ClinVar:

NM_003482.4(KMT2D):c.5440A>G (p.Arg1814Gly)

Gene: KMT2D (lysine methyltransferase 2D; minus strand). Cytogenetic location: 12q13.12.
Variant type: single nucleotide variant.
Coding change: c.5440A>G on transcript NM_003482.4 (MANE Select); coding-DNA position 5440, A replaced by G.
Protein change: p.Arg1814Gly; replaces arginine 1814 with glycine.
Molecular consequence: missense variant.
Genome position (GRCh38, 1-based): chr12:49,043,662, T>C on the plus strand (A>G on the coding strand, the complement: KMT2D is on the minus strand). VCF-style: chr12-49043662-T-C. GRCh37 (hg19) VCF-style: chr12-49437445-T-C.
Other names: short protein forms R1814G.
Identifiers: ClinVar variation 2179358 (VCV002179358.6), dbSNP rs574854514, ClinGen allele CA6547545.

ClinVar aggregate classification (germline): Benign. Review status: criteria provided, single submitter (1 of 4 stars). 2 submissions from 2 submitters: Benign (1). 1 of the submissions does not count toward it. Last evaluated 2025-04-07.

Conditions:
Kabuki syndrome. Also called: NIIKAWA-KUROKI SYNDROME; Kabuki make-up syndrome. Identifiers: Orphanet 2322, MedGen C0796004, MONDO:0016512.
KMT2D-related disorder. Also called: KMT2D-Related Disorders.

Allele frequency attached by ClinVar (database versions not stated): gnomAD 0.00002; gnomAD exomes 0.00002; ExAC 0.00007; 1000 Genomes Project 30x 0.00016; 1000 Genomes Project 0.00020.
gnomAD v4.1: 13 of 1,614,034 alleles (0.00081%); highest among the groups gnomAD compares: East Asian, 0.029%; no homozygotes.

Submissions (2):

Labcorp Genetics (formerly Invitae), Labcorp
Classification: Benign for Kabuki syndrome. Last evaluated: 2025-04-07. Review status: criteria provided, single submitter. Criteria: Invitae Variant Classification Sherloc (09022015). Collection method: clinical testing. Allele origin: germline.

PreventionGenetics, part of Exact Sciences
Classification: Likely benign for KMT2D-related condition. Last evaluated: 2023-07-13. Review status: no assertion criteria provided. Collection method: clinical testing. Allele origin: germline. Not counted in ClinVar's aggregate classification.
Comment: This variant is classified as likely benign based on ACMG/AMP sequence variant interpretation guidelines (Richards et al. 2015 PMID: 25741868, with internal and published modifications).